The following is an entry in ClinVar:

ClinVar aggregate classification (germline): Uncertain significance (1 of 4 stars; one submission).

Conditions:
Hypertrophic cardiomyopathy. Also called: HYPERTROPHIC MYOCARDIOPATHY. Identifiers: Orphanet 217569, MedGen C0007194, MeSH D002312, MONDO:0005045, HP:0001639.

Submission:

Labcorp Genetics (formerly Invitae), Labcorp
Classification: Uncertain significance for Hypertrophic cardiomyopathy. Last evaluated: 2025-09-02. Review status: criteria provided, single submitter. Criteria: Invitae Variant Classification Sherloc (09022015). Collection method: clinical testing. Allele origin: germline.
Comment: This sequence change replaces glutamic acid, which is acidic and polar, with glycine, which is neutral and non-polar, at codon 292 of the MYOM1 protein (p.Glu292Gly). This variant is present in population databases (rs750110080, gnomAD 0.007%). This variant has not been reported in the literature in individuals affected with MYOM1-related conditions. Invitae Evidence Modeling of protein sequence and biophysical properties (such as structural, functional, and spatial information, amino acid conservation, physicochemical variation, residue mobility, and thermodynamic stability) indicates that this missense variant is not expected to disrupt MYOM1 protein function with a negative predictive value of 80%. In summary, the available evidence is currently insufficient to determine the role of this variant in disease. Therefore, it has been classified as a Variant of Uncertain Significance.

NM_003803.4(MYOM1):c.875A>G (p.Glu292Gly)

Gene: MYOM1 (myomesin 1; minus strand). Cytogenetic location: 18p11.31.
Variant type: single nucleotide variant.
Coding change: c.875A>G on transcript NM_003803.4 (MANE Select); coding-DNA position 875, A replaced by G.
Protein change: p.Glu292Gly; replaces glutamic acid 292 with glycine.
Molecular consequence: missense variant.
Genome position (GRCh38, 1-based): chr18:3,187,534, T>C on the plus strand (A>G on the coding strand, the complement: MYOM1 is on the minus strand). VCF-style: chr18-3187534-T-C. GRCh37 (hg19) VCF-style: chr18-3187532-T-C.
Other names: c.875A>G, p.Glu292Gly (NM_019856.2); short protein forms E292G.
Identifiers: ClinVar variation 4770157 (VCV004770157.1).